The following is an entry in ClinVar:

ClinVar aggregate classification (germline): Uncertain significance (1 of 4 stars; one submission).

Conditions:
Cardiovascular phenotype. Identifiers: MedGen CN230736.

Submission:

Ambry Genetics
Classification: Uncertain significance for Cardiovascular phenotype. Last evaluated: 2023-10-19. Review status: criteria provided, single submitter. Criteria: Ambry Variant Classification Scheme 2023. Collection method: clinical testing. Allele origin: germline.
Comment: The p.I81T variant (also known as c.242T>C), located in coding exon 3 of the SPRED1 gene, results from a T to C substitution at nucleotide position 242. The isoleucine at codon 81 is replaced by threonine, an amino acid with similar properties. This amino acid position is conserved. In addition, the in silico prediction for this alteration is inconclusive. Since supporting evidence is limited at this time, the clinical significance of this alteration remains unclear.

NM_152594.3(SPRED1):c.242T>C (p.Ile81Thr)

Gene: SPRED1 (sprouty related EVH1 domain containing 1; plus strand). Cytogenetic location: 15q14.
Variant type: single nucleotide variant.
Coding change: c.242T>C on transcript NM_152594.3 (MANE Select); coding-DNA position 242, T replaced by C.
Protein change: p.Ile81Thr; replaces isoleucine 81 with threonine.
Molecular consequence: missense variant.
Genome position (GRCh38, 1-based): chr15:38,322,275, T>C. VCF-style: chr15-38322275-T-C. GRCh37 (hg19) VCF-style: chr15-38614476-T-C.
Other names: short protein forms I81T.
Identifiers: ClinVar variation 3229266 (VCV003229266.1), dbSNP rs2542695547, ClinGen allele CA391931957.